The following is an entry in ClinVar:

ClinVar aggregate classification (germline): Likely benign. Review status: criteria provided, multiple submitters, no conflicts (2 of 4 stars). 3 submissions from 3 submitters: Likely benign (3). Last evaluated 2024-03-24.

Conditions:
Catecholaminergic polymorphic ventricular tachycardia 1. Also called: VENTRICULAR TACHYCARDIA, STRESS-INDUCED POLYMORPHIC 1; RYR2-Related Catecholaminergic Polymorphic Ventricular Tachycardia; VENTRICULAR TACHYCARDIA, CATECHOLAMINERGIC POLYMORPHIC, 1, WITH OR WITHOUT ATRIAL DYSFUNCTION AND/OR DILATED CARDIOMYOPATHY. Identifiers: Orphanet 3286, MedGen C1631597, MONDO:0011484, OMIM 604772.
Cardiomyopathy (CMYO). Also called: Cardiomyopathies. Identifiers: Orphanet 167848, MedGen C0878544, MONDO:0004994, HP:0001638. Inheritance: Various modes of inheritance.
Catecholaminergic polymorphic ventricular tachycardia (CVPT). Also called: Catecholamine-induced polymorphic ventricular tachycardia. Identifiers: Orphanet 3286, MedGen C5574922, MONDO:0017990.

Submissions (3):

All of Us Research Program, National Institutes of Health
Classification: Likely benign for Catecholaminergic polymorphic ventricular tachycardia. Last evaluated: 2024-03-24. Review status: criteria provided, single submitter. Criteria: ACMG Guidelines, 2015. Collection method: clinical testing. Allele origin: germline. Inheritance: Autosomal dominant inheritance. Observed: 1 variant allele, 1 heterozygote.
Comment: This study involves interpretation of variants in research participants for the purpose of population health screening. Participant phenotype was not available at the time of variant classification. Additional details can be found in publication PMID: 35346344, PMCID: PMC8962531

Color Diagnostics, LLC DBA Color Health
Classification: Likely benign for Cardiomyopathy. Last evaluated: 2024-02-15. Review status: criteria provided, single submitter. Criteria: ACMG Guidelines, 2015. Collection method: clinical testing. Allele origin: germline.

Labcorp Genetics (formerly Invitae), Labcorp
Classification: Likely benign for Catecholaminergic polymorphic ventricular tachycardia 1. Last evaluated: 2021-10-05. Review status: criteria provided, single submitter. Criteria: Invitae Variant Classification Sherloc (09022015). Collection method: clinical testing. Allele origin: germline.

NM_001035.3(RYR2):c.10324-11_10324-10del

Gene: RYR2 (ryanodine receptor 2; plus strand). Cytogenetic location: 1q43.
Variant type: Deletion.
Coding change: c.10324-11_10324-10del on transcript NM_001035.3 (MANE Select); 11 bases into the intron before coding-DNA position 10324 through 10 bases into the intron before coding-DNA position 10324, 2 bases deleted (TT; older notation c.10324-11_10324-10delTT).
Molecular consequence: intron variant.
Genome position (GRCh38, 1-based): chr1:237,717,187-237,717,188, TT deleted; deleting any 2 consecutive bases within chr1:237,717,186-237,717,188 gives the same sequence; the c. name uses the placement nearest the transcript's 3' end. VCF-style (leftmost placement, unchanged base first): chr1-237717185-CTT-C. GRCh37 (hg19) VCF-style: chr1-237880485-CTT-C.
Identifiers: ClinVar variation 1548121 (VCV001548121.11), dbSNP rs2149100270, ClinGen allele CA2573132863.